The following is an entry in ClinVar:

NM_001613.4(ACTA2):c.370-19T>C

Gene: ACTA2 (actin alpha 2, smooth muscle; minus strand). Cytogenetic location: 10q23.31.
Variant type: single nucleotide variant.
Coding change: c.370-19T>C on transcript NM_001613.4 (MANE Select); 19 bases into the intron before coding-DNA position 370, T replaced by C.
Molecular consequence: intron variant.
Genome position (GRCh38, 1-based): chr10:88,941,888, A>G on the plus strand (T>C on the coding strand, the complement: ACTA2 is on the minus strand). VCF-style: chr10-88941888-A-G. GRCh37 (hg19) VCF-style: chr10-90701645-A-G.
Other names: c.241-19T>C (NM_001406467.1, NM_001406468.1, NM_001406469.1); c.370-19T>C (NM_001320855.2, NM_001406462.1, NM_001406471.1 and 3 more transcripts); c.259-19T>C (NM_001406466.1).
Identifiers: ClinVar variation 136279 (VCV000136279.19), dbSNP rs714887, ClinGen allele CA006915.
Genomic context (GRCh38, chr10:88,941,888, plus strand): 5'-AGCCACATACATGGCTGGGACATTGAAAGTCTCAAACATAATCTGCAAAGCAATCCAAAG[A>G]GCTGAGTTAGTGAAGGTGCCCATCTGACAAAGAATGGTCAGGAGAGCACACCTGGTTGAT-3'

ClinVar aggregate classification (germline): Benign. Review status: criteria provided, multiple submitters, no conflicts (2 of 4 stars). 8 submissions from 8 submitters: Benign (4). 4 of the submissions do not count toward it. Last evaluated 2026-02-04.

Conditions:
Aortic aneurysm, familial thoracic 6 (AAT6). Also called: FAMILIAL THORACIC AORTIC ANEURYSM WITH LIVEDO RETICULARIS AND IRIS FLOCCULI. Identifiers: MedGen C2673186, MONDO:0012730, OMIM 611788.
Thoracic aortic aneurysm. Also called: Aneurysm of thoracic aorta. Identifiers: MedGen C0162872, MONDO:0005396, HP:0012727.

Allele frequency attached by ClinVar (database versions not stated): ESP Exome Variant Server 0.06989; gnomAD 0.07944 and 0.08887; 1000 Genomes Project 0.16933; TOPMed 0.08910; gnomAD exomes 0.12015; ExAC 0.15408; 1000 Genomes Project 30x 0.16302.
gnomAD v4.1: 139,907 of 1,601,224 alleles (8.7%); highest among the groups gnomAD compares: South Asian, 27%; 8,887 homozygotes.

Submissions (8):

Labcorp Genetics (formerly Invitae), Labcorp
Classification: Benign for Aortic aneurysm, familial thoracic 6. Last evaluated: 2026-02-04. Review status: criteria provided, single submitter. Criteria: Invitae Variant Classification Sherloc (09022015). Collection method: clinical testing. Allele origin: germline.

GeneDx
Classification: Benign. Last evaluated: 2013-02-06. Review status: criteria provided, single submitter. Criteria: GeneDx Variant Classification (06012015). Collection method: clinical testing. Allele origin: germline. Affected: yes.
Comment: This variant is considered likely benign or benign based on one or more of the following criteria: it is a conservative change, it occurs at a poorly conserved position in the protein, it is predicted to be benign by multiple in silico algorithms, and/or has population frequency not consistent with disease.

Breakthrough Genomics
Classification: Benign. Review status: criteria provided, single submitter. Criteria: ACMG Guidelines, 2015. Collection method: not provided. Allele origin: germline. Inheritance: Autosomal dominant inheritance. Affected: yes.

PreventionGenetics, part of Exact Sciences
Classification: Benign. Review status: criteria provided, single submitter. Criteria: ACMG Guidelines, 2015. Collection method: clinical testing. Allele origin: germline.

Cohesion Phenomics
Classification: Benign for Thoracic aortic aneurysm. Last evaluated: 2022-09-23. Review status: no assertion criteria provided. Criteria: ACMG Guidelines, 2015. Collection method: clinical testing. Allele origin: germline. Affected: yes. Not counted in ClinVar's aggregate classification.

Clinical Genetics DNA and cytogenetics Diagnostics Lab, Erasmus MC, Erasmus Medical Center
Classification: Benign. Review status: no assertion criteria provided. Collection method: clinical testing. Allele origin: germline. Affected: yes. Study: VKGL Data-share Consensus. Not counted in ClinVar's aggregate classification.

Diagnostic Laboratory, Department of Genetics, University Medical Center Groningen
Classification: Benign. Review status: no assertion criteria provided. Collection method: clinical testing. Allele origin: germline. Affected: yes. Study: VKGL Data-share Consensus. Not counted in ClinVar's aggregate classification.

Genome Diagnostics Laboratory, Amsterdam University Medical Center
Classification: Benign. Review status: no assertion criteria provided. Collection method: clinical testing. Allele origin: germline. Affected: yes. Study: VKGL Data-share Consensus. Not counted in ClinVar's aggregate classification.